The following is an entry in ClinVar:

ClinVar aggregate classification (germline): Uncertain significance. Review status: criteria provided, multiple submitters, no conflicts (2 of 4 stars). 2 submissions from 2 submitters: Uncertain significance (2). Last evaluated 2025-11-24.

Conditions:
Distal myopathy with posterior leg and anterior hand involvement. Also called: WILLIAMS DISTAL MYOPATHY. Identifiers: Orphanet 63273, MedGen C3279722, MONDO:0013550, OMIM 614065.
Hypertrophic cardiomyopathy 26. Also called: Cardiomyopathy, familial hypertrophic, 26. Identifiers: Orphanet 75249, MedGen C4310749, MONDO:0014883, OMIM 617047.
Myofibrillar myopathy 5. Also called: Filaminopathy (type); FILAMINOPATHY, AUTOSOMAL DOMINANT. Identifiers: Orphanet 171445, MedGen C1836050, MONDO:0012289, OMIM 609524.
Cardiovascular phenotype. Identifiers: MedGen CN230736.

gnomAD v4.1: 3 of 1,610,548 alleles (0.00019%); highest among the groups gnomAD compares: Non-Finnish European, 0.00025%; no homozygotes.

Submissions (2):

Labcorp Genetics (formerly Invitae), Labcorp
Classification: Uncertain significance for Distal myopathy with posterior leg and anterior hand involvement; Myofibrillar myopathy 5; Hypertrophic cardiomyopathy 26. Last evaluated: 2025-11-24. Review status: criteria provided, single submitter. Criteria: Invitae Variant Classification Sherloc (09022015). Collection method: clinical testing. Allele origin: germline.
Comment: This sequence change replaces serine, which is neutral and polar, with phenylalanine, which is neutral and non-polar, at codon 2247 of the FLNC protein (p.Ser2247Phe). This variant is not present in population databases (gnomAD no frequency). This variant has not been reported in the literature in individuals affected with FLNC-related conditions. ClinVar contains an entry for this variant (Variation ID: 3516019). Invitae Evidence Modeling of protein sequence and biophysical properties (such as structural, functional, and spatial information, amino acid conservation, physicochemical variation, residue mobility, and thermodynamic stability) indicates that this missense variant is not expected to disrupt FLNC protein function with a negative predictive value of 80%. In summary, the available evidence is currently insufficient to determine the role of this variant in disease. Therefore, it has been classified as a Variant of Uncertain Significance.

Ambry Genetics
Classification: Uncertain significance for Cardiovascular phenotype. Last evaluated: 2024-11-10. Review status: criteria provided, single submitter. Criteria: Ambry Variant Classification Scheme 2023. Collection method: clinical testing. Allele origin: germline.
Comment: The p.S2247F variant (also known as c.6740C>T), located in coding exon 41 of the FLNC gene, results from a C to T substitution at nucleotide position 6740. The serine at codon 2247 is replaced by phenylalanine, an amino acid with highly dissimilar properties. This amino acid position is conserved. In addition, this alteration is predicted to be tolerated by in silico analysis. Based on the available evidence, the clinical significance of this variant remains unclear.

NM_001458.5(FLNC):c.6740C>T (p.Ser2247Phe)

Genes: FLNC-AS1 (FLNC antisense RNA 1; minus strand), FLNC (filamin C; plus strand). Cytogenetic location: 7q32.1.
Variant type: single nucleotide variant.
Coding change: c.6740C>T on transcript NM_001458.5 (MANE Select); coding-DNA position 6740, C replaced by T.
Protein change: p.Ser2247Phe; replaces serine 2247 with phenylalanine.
Molecular consequence: missense variant.
Genome position (GRCh38, 1-based): chr7:128,854,425, C>T. VCF-style: chr7-128854425-C-T. GRCh37 (hg19) VCF-style: chr7-128494479-C-T.
Other names: c.6641C>T, p.Ser2214Phe (NM_001127487.2); short protein forms S2247F, S2214F.
Identifiers: ClinVar variation 3516019 (VCV003516019.2).
Genomic context (GRCh38, chr7:128,854,425, plus strand): 5'-GGCTAGGAGGAATCCCAGTGTTGCCCTGACATCCCCCAAACCCTGCAGGTGAGGCCAGCT[C>T]TCAGGACATGACTGCACAGGTGACCAGCCCATCGGGCAAGGTGGAAGCCGCAGAGATCGT-3'
Protein context (NP_001449.3, residues 2237-2257): ITRQQEGEAS[Ser2247Phe]QDMTAQVTSP